The following is an entry in ClinVar:

ClinVar aggregate classification (germline): Conflicting classifications of pathogenicity. Review status: criteria provided, conflicting classifications (1 of 4 stars). 3 submissions from 3 submitters: Uncertain significance (2); Likely benign (1). Last evaluated 2025-04-04.

Conditions:
Inborn genetic diseases. Identifiers: MedGen C0950123, MeSH D030342.

Allele frequency attached by ClinVar (database versions not stated): gnomAD exomes 0.00001; ExAC 0.00002; gnomAD 0.00002; TOPMed 0.00002.
gnomAD v4.1: 14 of 1,614,050 alleles (0.00087%); highest among the groups gnomAD compares: Admixed American, 0.0067%; no homozygotes.

Submissions (3):

Ambry Genetics
Classification: Uncertain significance for Inborn genetic diseases. Last evaluated: 2025-04-04. Review status: criteria provided, single submitter. Criteria: Ambry Variant Classification Scheme 2023. Collection method: clinical testing. Allele origin: germline.

Blueprint Genetics
Classification: Likely benign. Last evaluated: 2022-07-19. Review status: criteria provided, single submitter. Criteria: ACMG Guidelines, 2015. Collection method: clinical testing. Allele origin: germline.

Labcorp Genetics (formerly Invitae), Labcorp
Classification: Uncertain significance. Last evaluated: 2022-04-10. Review status: criteria provided, single submitter. Criteria: Invitae Variant Classification Sherloc (09022015). Collection method: clinical testing. Allele origin: germline.
Comment: This sequence change replaces asparagine, which is neutral and polar, with lysine, which is basic and polar, at codon 163 of the RNF216 protein (p.Asn163Lys). This variant is present in population databases (rs760709107, gnomAD 0.02%). This variant has not been reported in the literature in individuals affected with RNF216-related conditions. Algorithms developed to predict the effect of missense changes on protein structure and function output the following: SIFT: "Tolerated"; PolyPhen-2: "Benign"; Align-GVGD: "Class C0". The lysine amino acid residue is found in multiple mammalian species, which suggests that this missense change does not adversely affect protein function. In summary, the available evidence is currently insufficient to determine the role of this variant in disease. Therefore, it has been classified as a Variant of Uncertain Significance.

NM_207111.4(RNF216):c.489C>G (p.Asn163Lys)

Gene: RNF216 (ring finger protein 216; minus strand). Cytogenetic location: 7p22.1.
Variant type: single nucleotide variant.
Coding change: c.489C>G on transcript NM_207111.4 (MANE Select); coding-DNA position 489, C replaced by G.
Protein change: p.Asn163Lys; replaces asparagine 163 with lysine.
Molecular consequence: missense variant.
Genome position (GRCh38, 1-based): chr7:5,741,528, G>C on the plus strand (C>G on the coding strand, the complement: RNF216 is on the minus strand). VCF-style: chr7-5741528-G-C. GRCh37 (hg19) VCF-style: chr7-5781159-G-C.
Other names: c.318C>G, p.Asn106Lys (NM_001377156.1, NM_207116.3); c.489C>G (NM_207111.3); short protein forms N163K, N106K.
Identifiers: ClinVar variation 2081949 (VCV002081949.6), dbSNP rs760709107, ClinGen allele CA4148523.